The following is an entry in ClinVar:

ClinVar aggregate classification (germline): Uncertain significance (1 of 4 stars; one submission).

Submission:

Labcorp Genetics (formerly Invitae), Labcorp
Classification: Uncertain significance. Last evaluated: 2021-09-30. Review status: criteria provided, single submitter. Criteria: Invitae Variant Classification Sherloc (09022015). Collection method: clinical testing. Allele origin: germline.
Comment: This sequence change replaces isoleucine with valine at codon 351 of the LCA5 protein (p.Ile351Val). The isoleucine residue is weakly conserved and there is a small physicochemical difference between isoleucine and valine. This variant is not present in population databases (ExAC no frequency). This variant has not been reported in the literature in individuals with LCA5-related conditions. Algorithms developed to predict the effect of missense changes on protein structure and function output the following: SIFT: "Tolerated"; PolyPhen-2: "Benign"; Align-GVGD: "Class C0". The valine amino acid residue is found in multiple mammalian species, suggesting that this missense change does not adversely affect protein function. These predictions have not been confirmed by published functional studies and their clinical significance is uncertain. In summary, the available evidence is currently insufficient to determine the role of this variant in disease. Therefore, it has been classified as a Variant of Uncertain Significance.

NM_001122769.3(LCA5):c.1051A>G (p.Ile351Val)

Gene: LCA5 (lebercilin LCA5; minus strand). Cytogenetic location: 6q14.1.
Variant type: single nucleotide variant.
Coding change: c.1051A>G on transcript NM_001122769.3 (MANE Select); coding-DNA position 1051, A replaced by G.
Protein change: p.Ile351Val; replaces isoleucine 351 with valine.
Molecular consequence: missense variant.
Genome position (GRCh38, 1-based): chr6:79,491,635, T>C on the plus strand (A>G on the coding strand, the complement: LCA5 is on the minus strand). VCF-style: chr6-79491635-T-C. GRCh37 (hg19) VCF-style: chr6-80201352-T-C.
Other names: c.1051A>G, p.Ile351Val (NM_181714.4); short protein forms I351V.
Identifiers: ClinVar variation 1379096 (VCV001379096.5), dbSNP rs919787212, ClinGen allele CA141863288.